The following is an entry in ClinVar:

ClinVar aggregate classification (germline): Uncertain significance (1 of 4 stars; one submission).

Submission:

Labcorp Genetics (formerly Invitae), Labcorp
Classification: Uncertain significance. Last evaluated: 2025-11-15. Review status: criteria provided, single submitter. Criteria: Invitae Variant Classification Sherloc (09022015). Collection method: clinical testing. Allele origin: germline.
Comment: This sequence change falls in intron 6 of the PHEX gene. It does not directly change the encoded amino acid sequence of the PHEX protein. It affects a nucleotide within the consensus splice site. This variant is not present in population databases (gnomAD no frequency). This variant has been observed in individual(s) with X-linked hypophosphatemia (internal data). ClinVar contains an entry for this variant (Variation ID: 1396498). Variants that disrupt the consensus splice site are a relatively common cause of aberrant splicing (PMID: 17576681, 9536098). Algorithms developed to predict the effect of sequence changes on RNA splicing suggest that this variant may disrupt the consensus splice site. In summary, the available evidence is currently insufficient to determine the role of this variant in disease. Therefore, it has been classified as a Variant of Uncertain Significance.

Literature cited by the submitters: PubMed 17576681; PubMed 9536098.

NM_000444.6(PHEX):c.732+3A>T

Gene: PHEX (phosphate regulating endopeptidase X-linked; plus strand). Cytogenetic location: Xp22.11.
Variant type: single nucleotide variant.
Coding change: c.732+3A>T on transcript NM_000444.6 (MANE Select); 3 bases into the intron after coding-DNA position 732, A replaced by T.
Molecular consequence: intron variant.
Genome position (GRCh38, 1-based): chrX:22,090,500, A>T. VCF-style: chrX-22090500-A-T. GRCh37 (hg19) VCF-style: chrX-22108618-A-T.
Other names: c.732+3A>T (NM_001282754.2).
Identifiers: ClinVar variation 1396498 (VCV001396498.6), dbSNP rs2147035595, ClinGen allele CA2573158751.